The following is an entry in ClinVar:

ClinVar aggregate classification (germline): Uncertain significance. Review status: criteria provided, multiple submitters, no conflicts (2 of 4 stars). 2 submissions from 2 submitters: Uncertain significance (2). Last evaluated 2023-02-27.

Allele frequency attached by ClinVar (database versions not stated): gnomAD exomes below 0.00001 and 0.00001; TOPMed 0.00001; ExAC 0.00002.
gnomAD v4.1: 2 of 1,614,152 alleles (0.00012%); highest among the groups gnomAD compares: East Asian, 0.0022%; no homozygotes.

Submissions (2):

Labcorp Genetics (formerly Invitae), Labcorp
Classification: Uncertain significance. Last evaluated: 2023-02-27. Review status: criteria provided, single submitter. Criteria: Invitae Variant Classification Sherloc (09022015). Collection method: clinical testing. Allele origin: germline.
Comment: In summary, the available evidence is currently insufficient to determine the role of this variant in disease. Therefore, it has been classified as a Variant of Uncertain Significance. Advanced modeling of protein sequence and biophysical properties (such as structural, functional, and spatial information, amino acid conservation, physicochemical variation, residue mobility, and thermodynamic stability) performed at Invitae indicates that this missense variant is not expected to disrupt SLC10A2 protein function. ClinVar contains an entry for this variant (Variation ID: 596066). This variant has not been reported in the literature in individuals affected with SLC10A2-related conditions. This variant is present in population databases (rs751732465, gnomAD 0.006%). This sequence change replaces leucine, which is neutral and non-polar, with phenylalanine, which is neutral and non-polar, at codon 73 of the SLC10A2 protein (p.Leu73Phe).

Eurofins Ntd Llc (ga)
Classification: Uncertain significance. Last evaluated: 2018-02-09. Review status: criteria provided, single submitter. Criteria: EGL ClinVar v180209 classification definitions. Collection method: clinical testing. Allele origin: germline. Observed: 1 variant allele, 1 heterozygote.

NM_000452.3(SLC10A2):c.217C>T (p.Leu73Phe)

Gene: SLC10A2 (solute carrier family 10 member 2; minus strand). Cytogenetic location: 13q33.1.
Variant type: single nucleotide variant.
Coding change: c.217C>T on transcript NM_000452.3 (MANE Select); coding-DNA position 217, C replaced by T.
Protein change: p.Leu73Phe; replaces leucine 73 with phenylalanine.
Molecular consequence: missense variant.
Genome position (GRCh38, 1-based): chr13:103,066,033, G>A on the plus strand (C>T on the coding strand, the complement: SLC10A2 is on the minus strand). VCF-style: chr13-103066033-G-A. GRCh37 (hg19) VCF-style: chr13-103718383-G-A.
Other names: short protein forms L73F.
Identifiers: ClinVar variation 596066 (VCV000596066.8), dbSNP rs751732465, ClinGen allele CA7042307.